The following is an entry in ClinVar:

NM_001009944.3(PKD1):c.1786A>C (p.Thr596Pro)

Gene: PKD1 (polycystin 1, transient receptor potential channel interacting; minus strand). Cytogenetic location: 16p13.3.
Variant type: single nucleotide variant.
Coding change: c.1786A>C on transcript NM_001009944.3 (MANE Select); coding-DNA position 1786, A replaced by C.
Protein change: p.Thr596Pro; replaces threonine 596 with proline.
Molecular consequence: missense variant.
Genome position (GRCh38, 1-based): chr16:2,116,055, T>G on the plus strand (A>C on the coding strand, the complement: PKD1 is on the minus strand). VCF-style: chr16-2116055-T-G. GRCh37 (hg19) VCF-style: chr16-2166056-T-G.
Other names: c.1786A>C, p.Thr596Pro (NM_000296.4); short protein forms T596P.
Identifiers: ClinVar variation 3912038 (VCV003912038.2).

ClinVar aggregate classification (germline): Uncertain significance (1 of 4 stars; one submission).

Submission:

Women's Health and Genetics/Laboratory Corporation of America, LabCorp
Classification: Uncertain significance. Last evaluated: 2025-07-07. Review status: criteria provided, single submitter. Criteria: LabCorp Variant Classification Summary - May 2015. Collection method: clinical testing. Allele origin: germline.
Comment: Variant summary: PKD1 c.1786A>C (p.Thr596Pro) results in a non-conservative amino acid change in the encoded protein sequence. Algorithms developed to predict the effect of missense changes on protein structure and function are either unavailable or do not agree on the potential impact of this missense change. The variant was absent in 151330 control chromosomes (gnomAD). The available data on variant occurrences in the general population are insufficient to allow any conclusion about variant significance. To our knowledge, no occurrence of c.1786A>C in individuals affected with Polycystic Kidney Disease and no experimental evidence demonstrating its impact on protein function have been reported. No submitters have cited clinical-significance assessments for this variant to ClinVar. Based on the evidence outlined above, the variant was classified as uncertain significance.